The following is an entry in ClinVar:

ClinVar aggregate classification (germline): Conflicting classifications of pathogenicity. Review status: criteria provided, conflicting classifications (1 of 4 stars). 2 submissions from 2 submitters: Uncertain significance (1); Benign (1). Last evaluated 2024-07-23.

Conditions:
Familial cancer of breast. Also called: hereditary breast carcinoma; Hereditary breast cancer; BREAST CANCER, FAMILIAL. Identifiers: Orphanet 227535, MedGen C0346153, MONDO:0016419, OMIM 114480. Disease mechanism: loss of function.

Submissions (2):

Myriad Genetics, Inc.
Classification: Benign for Familial cancer of breast. Last evaluated: 2024-07-23. Review status: criteria provided, single submitter. Criteria: Myriad Autosomal Dominant, Autosomal Recessive and X-Linked Classification Criteria (2023). Collection method: clinical testing. Allele origin: unknown.
Comment: This variant is considered benign. This variant is a silent/synonymous amino acid change and it is not expected to impact splicing.

Women's Health and Genetics/Laboratory Corporation of America, LabCorp
Classification: Uncertain significance. Last evaluated: 2023-04-20. Review status: criteria provided, single submitter. Criteria: LabCorp Variant Classification Summary - May 2015. Collection method: clinical testing. Allele origin: germline.
Comment: Variant summary: BARD1 c.792C>G alters a non-conserved nucleotide resulting in a synonymous change. Several computational tools predict a significant impact on normal splicing: Two predict the variant creates a 5 prime donor site. However, these predictions have yet to be confirmed by functional studies. The variant was absent in 232860 control chromosomes. The available data on variant occurrences in the general population are insufficient to allow any conclusion about variant significance. To our knowledge, no occurrence of c.792C>G in individuals affected with Breast Cancer and no experimental evidence demonstrating its impact on protein function have been reported. No clinical diagnostic laboratories have submitted clinical-significance assessments for this variant to ClinVar after 2014. Based on the evidence outlined above, the variant was classified as VUS.

NM_000465.4(BARD1):c.792C>G (p.Gly264=)

Gene: BARD1 (BRCA1 associated RING domain 1; minus strand). Cytogenetic location: 2q35.
Variant type: single nucleotide variant.
Coding change: c.792C>G on transcript NM_000465.4 (MANE Select); coding-DNA position 792, C replaced by G.
Protein change: p.Gly264=; no amino-acid change (glycine 264 retained).
Molecular consequence: synonymous variant. On other transcripts: non-coding transcript variant (2), intron variant (3).
Genome position (GRCh38, 1-based): chr2:214,781,082, G>C on the plus strand (C>G on the coding strand, the complement: BARD1 is on the minus strand). VCF-style: chr2-214781082-G-C. GRCh37 (hg19) VCF-style: chr2-215645806-G-C.
Other names: c.158+28330C>G (NM_001282548.2); c.215+15979C>G (NM_001282545.2); c.364+11215C>G (NM_001282549.2); c.792C>G (NM_000465.3); c.735C>G, p.Gly245= (NM_001282543.2).
Identifiers: ClinVar variation 2503922 (VCV002503922.2), dbSNP rs1276619198, ClinGen allele CA431390543.
Genomic context (GRCh38, chr2:214,781,082, plus strand): 5'-CTCAGCCAATGGTAAAGAGACTTCAGTTAAACTTCCAAAACATTCAGATTCTGTCAAGGA[G>C]CCACTTGCTAGTAAGTCTATTTCACCATTTATCTGAGGACTGGAGATAACAGATGGTTGG-3'
Protein context (NP_000456.2, residues 254-274): INGEIDLLAS[Gly264=]SLTESECFGS